The following is an entry in ClinVar:

ClinVar aggregate classification (germline): Pathogenic (1 of 4 stars; one submission).

Conditions:
Tatton-Brown-Rahman overgrowth syndrome. Also called: Tall stature-intellectual disability-facial dysmorphism syndrome; Tatton-Brown-Rahman syndrome. Identifiers: Orphanet 404443, MedGen C4014545, MONDO:0014382, OMIM 615879.

Submission:

Labcorp Genetics (formerly Invitae), Labcorp
Classification: Pathogenic for Tatton-Brown-Rahman overgrowth syndrome. Last evaluated: 2023-09-15. Review status: criteria provided, single submitter. Criteria: Invitae Variant Classification Sherloc (09022015). Collection method: clinical testing. Allele origin: germline.
Comment: For these reasons, this variant has been classified as Pathogenic. This variant has not been reported in the literature in individuals affected with DNMT3A-related conditions. This variant is not present in population databases (gnomAD no frequency). This sequence change creates a premature translational stop signal (p.Arg598Profs*14) in the DNMT3A gene. It is expected to result in an absent or disrupted protein product. Loss-of-function variants in DNMT3A are known to be pathogenic (PMID: 24614070).

Literature cited by the submitters: PubMed 24614070.

NM_022552.5(DNMT3A):c.1792dup (p.Arg598fs)

Gene: DNMT3A (DNA methyltransferase 3 alpha; minus strand). Cytogenetic location: 2p23.3.
Variant type: Duplication.
Coding change: c.1792dup on transcript NM_022552.5 (MANE Select); coding-DNA position 1792, one base duplicated (C; older notation c.1792dupC).
Protein change: p.Arg598fs; shifts the reading frame from arginine 598.
Molecular consequence: frameshift variant. On other transcripts: non-coding transcript variant (1).
Genome position (GRCh38, 1-based): chr2:25,244,214, G duplicated on the plus strand (C on the coding strand, the reverse complement: DNMT3A is on the minus strand). VCF-style (leftmost placement, unchanged base first): chr2-25244213-C-CG. GRCh37 (hg19) VCF-style: chr2-25467082-C-CG.
Other names: c.1336dup, p.Arg446fs (NM_001320893.1); c.1123dup, p.Arg375fs (NM_001375819.1); c.1225dup, p.Arg409fs (NM_153759.3); c.1792dup, p.Arg598fs (NM_175629.2); short protein forms R375fs, R409fs, R446fs, R598fs.
Identifiers: ClinVar variation 2712250 (VCV002712250.3), dbSNP rs2465469627, ClinGen allele CA2697547836.